The following is an entry in ClinVar:

NM_001256627.2(BRSK2):c.1669-3_1669-2del

Gene: BRSK2 (BR serine/threonine kinase 2; plus strand). Cytogenetic location: 11p15.5.
Variant type: Microsatellite.
Coding change: c.1669-3_1669-2del on transcript NM_001256627.2 (MANE Select); 3 bases into the intron before coding-DNA position 1669 through the canonical splice acceptor site of the intron before coding-DNA position 1669, 2 bases deleted (CA; older notation c.1669-3_1669-2delCA).
Molecular consequence: splice acceptor variant.
Genome position (GRCh38, 1-based): chr11:1,456,345-1,456,346, CA deleted; deleting any 2 consecutive bases within chr11:1,456,343-1,456,346 gives the same sequence; the c. name uses the placement nearest the transcript's 3' end. VCF-style (leftmost placement, unchanged base first): chr11-1456342-CCA-C. GRCh37 (hg19) VCF-style: chr11-1477572-CCA-C.
Other names: c.2101-3_2101-2del (NM_001440665.1); c.1735-3_1735-2del (NM_001440668.1, NM_001440670.1); c.2035-3_2035-2del (NM_001440666.1); c.1669-3_1669-2del (NM_001256629.2, NM_003957.4); c.1489-3_1489-2del (NM_001440674.1, NM_001440669.1, NM_001440673.1 and 3 more transcripts); c.1555-3_1555-2del (NM_001440671.1, NM_001440672.1); c.1807-3_1807-2del (NM_001256630.1, NM_001440667.1).
Identifiers: ClinVar variation 4851348 (VCV004851348.1).
Genomic context (GRCh38, chr11:1,456,342, plus strand): 5'-GCCTCCCCAGAGGGCCAGGGTGGGACCTGCCAGGCCAGCCACGCTCACGCTGCTCTCTCT[CCA>C]CAGATTCCCAGTCTCAGCCACAGCGTCATCTCCCAAACGAGCTTCCGGGCCGAGTACAAG-3'

ClinVar aggregate classification (germline): Likely benign (1 of 4 stars; one submission).

Conditions:
Complex neurodevelopmental disorder. Identifiers: Orphanet 528084, MedGen C5568766, MONDO:0100038.

Submission:

Centre for Medical Genetics,  Mumbai
Classification: Likely benign for Complex neurodevelopmental disorder. Last evaluated: 2026-04-09. Review status: criteria provided, single submitter. Criteria: ACMG Guidelines, 2015. Collection method: provider interpretation. Allele origin: germline. Inheritance: Autosomal dominant inheritance. Affected: no. Observed: 1 variant allele, 1 heterozygote.
Comment: The variant satisfies PVS1 criteria - null variant in a gene where loss of function is a known mechanism of disease. The variant satisfies PM2 criteria - extremely low frequency in gnomAD population databases. However, the variant satisfies BS2 criteria - present in heterozygous state in an individual that clinically does not have complex neurodevelopmental disorder.

Literature cited by the submitters: PMC PMC6451696.